The following is an entry in ClinVar:

ClinVar aggregate classification (germline): Likely benign. Review status: criteria provided, multiple submitters, no conflicts (2 of 4 stars). 2 submissions from 2 submitters: Likely benign (2). Last evaluated 2025-07-08.

Conditions:
KMT2C-related disorder. Also called: KMT2C-related disorders; KMT2C-related condition.

Allele frequency attached by ClinVar (database versions not stated): ExAC 0.00001; gnomAD exomes 0.00002; gnomAD 0.00017; 1000 Genomes Project 30x 0.00031; TOPMed 0.00036; 1000 Genomes Project 0.00040.
gnomAD v4.1: 59 of 1,611,814 alleles (0.0037%); highest among the groups gnomAD compares: Admixed American, 0.054%; no homozygotes.

Submissions (2):

PreventionGenetics, part of Exact Sciences
Classification: Likely benign for KMT2C-related condition. Last evaluated: 2025-07-08. Review status: criteria provided, single submitter. Criteria: ACMG Guidelines, 2015. Collection method: clinical testing. Allele origin: germline.
Comment: This variant is classified as likely benign based on ACMG/AMP sequence variant interpretation guidelines (Richards et al. 2015 PMID: 25741868, with internal and published modifications).

Labcorp Genetics (formerly Invitae), Labcorp
Classification: Likely benign. Last evaluated: 2024-12-27. Review status: criteria provided, single submitter. Criteria: Invitae Variant Classification Sherloc (09022015). Collection method: clinical testing. Allele origin: germline.

NM_170606.3(KMT2C):c.4793+8C>A

Gene: KMT2C (lysine methyltransferase 2C; minus strand). Cytogenetic location: 7q36.1.
Variant type: single nucleotide variant.
Coding change: c.4793+8C>A on transcript NM_170606.3 (MANE Select); 8 bases into the intron after coding-DNA position 4793, C replaced by A.
Molecular consequence: intron variant.
Genome position (GRCh38, 1-based): chr7:152,187,707, G>T on the plus strand (C>A on the coding strand, the complement: KMT2C is on the minus strand). VCF-style: chr7-152187707-G-T. GRCh37 (hg19) VCF-style: chr7-151884792-G-T.
Other names: c.4793+8C>A (NM_170606.2).
Identifiers: ClinVar variation 2079633 (VCV002079633.5), dbSNP rs183413918, ClinGen allele CA4580424.